The following is an entry in ClinVar:

NC_012920.1(MT-ATP6):m.8972T>C

Gene: MT-ATP6 (mitochondrially encoded ATP synthase 6; plus strand).
Variant type: single nucleotide variant.
Genome position: chrM-8972-T-C.
Identifiers: ClinVar variation 693039 (VCV000693039.1), dbSNP rs1603221948, ClinGen allele CA414801712.

ClinVar aggregate classification (germline): Uncertain significance (1 of 4 stars; one submission).

Conditions:
Leigh syndrome (NULS). Also called: Leigh's necrotizing encephalopathy; Leigh's disease; Leigh Syndrome (mtDNA deletion); Leigh Disease; Subacute necrotizing encephalopathy; Necrotizing encephalopathy infantile subacute of Leigh. Identifiers: Orphanet 506, MedGen C2931891, MONDO:0009723, OMIM 256000.

Submission:

Wong Mito Lab, Molecular and Human Genetics, Baylor College of Medicine
Classification: Uncertain significance for Leigh syndrome. Last evaluated: 2019-10-17. Review status: criteria provided, single submitter. Criteria: Modified ACMG Guidelines (Unpublished). Collection method: clinical testing. Allele origin: germline.
Comment: The NC_012920.1:m.8972T>C (YP_003024031.1:p.Leu149Pro) variant in MTATP6 gene is interpretated to be a Uncertain Significance variant based on the modified ACMG guidelines (unpublished). This variant meets the following evidence codes: PP6, PP7